The following is an entry in ClinVar:

ClinVar aggregate classification (germline): Uncertain significance (1 of 4 stars; one submission).

Conditions:
Nephronophthisis. Also called: Juvenile Nephronophthisis. Identifiers: Orphanet 655, MedGen C0687120, MONDO:0019005, HP:0000090.

Submission:

Labcorp Genetics (formerly Invitae), Labcorp
Classification: Uncertain significance for Nephronophthisis. Last evaluated: 2025-10-06. Review status: criteria provided, single submitter. Criteria: Invitae Variant Classification Sherloc (09022015). Collection method: clinical testing. Allele origin: germline.
Comment: This sequence change replaces glutamine, which is neutral and polar, with arginine, which is basic and polar, at codon 74 of the IQCB1 protein (p.Gln74Arg). This variant is not present in population databases (gnomAD no frequency). This variant has not been reported in the literature in individuals affected with IQCB1-related conditions. Invitae Evidence Modeling of protein sequence and biophysical properties (such as structural, functional, and spatial information, amino acid conservation, physicochemical variation, residue mobility, and thermodynamic stability) indicates that this missense variant is not expected to disrupt IQCB1 protein function with a negative predictive value of 80%. In summary, the available evidence is currently insufficient to determine the role of this variant in disease. Therefore, it has been classified as a Variant of Uncertain Significance.

NM_001023570.4(IQCB1):c.221A>G (p.Gln74Arg)

Gene: IQCB1 (IQ motif containing B1; minus strand). Cytogenetic location: 3q13.33.
Variant type: single nucleotide variant.
Coding change: c.221A>G on transcript NM_001023570.4 (MANE Select); coding-DNA position 221, A replaced by G.
Protein change: p.Gln74Arg; replaces glutamine 74 with arginine.
Molecular consequence: missense variant. On other transcripts: non-coding transcript variant (1).
Genome position (GRCh38, 1-based): chr3:121,828,512, T>C on the plus strand (A>G on the coding strand, the complement: IQCB1 is on the minus strand). VCF-style: chr3-121828512-T-C. GRCh37 (hg19) VCF-style: chr3-121547359-T-C.
Other names: c.221A>G, p.Gln74Arg (NM_001023571.4, NM_001319107.2); short protein forms Q74R.
Identifiers: ClinVar variation 4811486 (VCV004811486.1).